The following is an entry in ClinVar:

ClinVar aggregate classification (germline): Pathogenic (1 of 4 stars; one submission).

Conditions:
Mucopolysaccharidosis, MPS-IV-A (MPS4A). Also called: Mucopolysaccharidosis type IV A; Mucopolysaccharidosis Type IVA; Morquio syndrome A, mild; MORQUIO SYNDROME A; MPS IVA; mucopolysaccharidosis type 4A. Identifiers: Orphanet 309297, Orphanet 582, MedGen C0086651, MONDO:0009659, OMIM 253000.

Allele frequency attached by ClinVar (database versions not stated): gnomAD exomes below 0.00001 and 0.00001; ExAC 0.00002.
gnomAD v4.1: 2 of 1,613,574 alleles (0.00012%); highest among the groups gnomAD compares: South Asian, 0.0022%; no homozygotes.

Submission:

Laboratory of Diagnosis and Therapy of Lysosomal Disorders, University of Padova
Classification: Pathogenic for Mucopolysaccharidosis, MPS-IV-A. Last evaluated: 2021-02-01. Review status: criteria provided, single submitter. Criteria: ACMG Guidelines, 2015. Collection method: curation. Allele origin: germline. Affected: yes.
Comment: Nonsense variant (PVS1_very strong); the prevalence of the variant in affected individuals is significantly increased compared with the prevalence in controls (PS4_supporting); very low frequency in gnomAD v2.1.1 (PM2_moderate)

Literature cited by the submitters: PubMed 31200731; PubMed 34387910.

NM_000512.5(GALNS):c.551G>A (p.Trp184Ter)

Gene: GALNS (galactosamine (N-acetyl)-6-sulfatase; minus strand). Cytogenetic location: 16q24.3.
Variant type: single nucleotide variant.
Coding change: c.551G>A on transcript NM_000512.5 (MANE Select); coding-DNA position 551, G replaced by A.
Protein change: p.Trp184Ter; replaces tryptophan 184 with a stop codon.
Molecular consequence: nonsense. On other transcripts: 5 prime UTR variant (1).
Genome position (GRCh38, 1-based): chr16:88,837,637, C>T on the plus strand (G>A on the coding strand, the complement: GALNS is on the minus strand). VCF-style: chr16-88837637-C-T. GRCh37 (hg19) VCF-style: chr16-88904045-C-T.
Other names: c.-5G>A (NM_001323543.2); c.569G>A, p.Trp190Ter (NM_001323544.2); short protein forms W184*, W190*.
Identifiers: ClinVar variation 1048291 (VCV001048291.5), dbSNP rs779545826, ClinGen allele CA8235111.